The following is an entry in ClinVar:

ClinVar aggregate classification (germline): Uncertain significance. Review status: criteria provided, multiple submitters, no conflicts (2 of 4 stars). 2 submissions from 2 submitters: Uncertain significance (2). Last evaluated 2026-07-02.

Conditions:
Familial thoracic aortic aneurysm and aortic dissection (TAAD). Also called: Thoracic aortic aneurysms and dissections. Identifiers: Orphanet 91387, MedGen C4707243, MONDO:0019625.

Submissions (2):

Ambry Genetics
Classification: Uncertain significance for Familial thoracic aortic aneurysm and aortic dissection. Last evaluated: 2026-07-02. Review status: criteria provided, single submitter. Criteria: Ambry Variant Classification Scheme 2023. Collection method: clinical testing. Allele origin: germline.
Comment: The p.E1033K variant (also known as c.3097G>A), located in coding exon 23 of the MYH11 gene, results from a G to A substitution at nucleotide position 3097. The glutamic acid at codon 1033 is replaced by lysine, an amino acid with similar properties. This amino acid position is conserved. In addition, this alteration is predicted to be deleterious by in silico analysis. Based on the available evidence, the clinical significance of this variant remains unclear.

Blueprint Genetics
Classification: Uncertain significance. Last evaluated: 2023-05-17. Review status: criteria provided, single submitter. Criteria: ACMG Guidelines, 2015. Collection method: clinical testing. Allele origin: germline.

NM_002474.3(MYH11):c.3097G>A (p.Glu1033Lys)

Gene: MYH11 (myosin heavy chain 11; minus strand). Cytogenetic location: 16p13.11.
Variant type: single nucleotide variant.
Coding change: c.3097G>A on transcript NM_002474.3 (MANE Select); coding-DNA position 3097, G replaced by A.
Protein change: p.Glu1033Lys; replaces glutamic acid 1033 with lysine.
Molecular consequence: missense variant.
Genome position (GRCh38, 1-based): chr16:15,738,589, C>T on the plus strand (G>A on the coding strand, the complement: MYH11 is on the minus strand). VCF-style: chr16-15738589-C-T. GRCh37 (hg19) VCF-style: chr16-15832446-C-T.
Other names: c.3118G>A, p.Glu1040Lys (NM_001040113.2, NM_001040114.2); c.3097G>A, p.Glu1033Lys (NM_022844.3); c.3097G>A (NM_002474.2); short protein forms E1040K, E1033K.
Identifiers: ClinVar variation 4928658 (VCV004928658.2).